The following is an entry in ClinVar:

ClinVar aggregate classification (germline): Conflicting classifications of pathogenicity. Review status: criteria provided, conflicting classifications (1 of 4 stars). 4 submissions from 4 submitters: Uncertain significance (1); Likely benign (3). Last evaluated 2025-12-29.

Conditions:
MAK-related disorder. Also called: MAK-related condition.
Inborn genetic diseases. Identifiers: MedGen C0950123, MeSH D030342.

Allele frequency attached by ClinVar (database versions not stated): gnomAD exomes 0.00021; ExAC 0.00030; 1000 Genomes Project 30x 0.00031; 1000 Genomes Project 0.00040; gnomAD 0.00064 and 0.00071; TOPMed 0.00099; ESP Exome Variant Server 0.00100.
gnomAD v4.1: 214 of 1,614,188 alleles (0.013%); highest among the groups gnomAD compares: African/African-American, 0.25%; no homozygotes.

Submissions (4):

Labcorp Genetics (formerly Invitae), Labcorp
Classification: Likely benign. Last evaluated: 2025-12-29. Review status: criteria provided, single submitter. Criteria: Invitae Variant Classification Sherloc (09022015). Collection method: clinical testing. Allele origin: germline.

PreventionGenetics, part of Exact Sciences
Classification: Likely benign for MAK-related condition. Last evaluated: 2025-04-04. Review status: criteria provided, single submitter. Criteria: ACMG Guidelines, 2015. Collection method: clinical testing. Allele origin: germline.
Comment: This variant is classified as likely benign based on ACMG/AMP sequence variant interpretation guidelines (Richards et al. 2015 PMID: 25741868, with internal and published modifications).

Ambry Genetics
Classification: Uncertain significance for Inborn genetic diseases. Last evaluated: 2025-03-04. Review status: criteria provided, single submitter. Criteria: Ambry Variant Classification Scheme 2023. Collection method: clinical testing. Allele origin: germline.

Blueprint Genetics
Classification: Likely benign. Last evaluated: 2024-08-08. Review status: criteria provided, single submitter. Criteria: ACMG Guidelines, 2015. Collection method: clinical testing. Allele origin: germline.

NM_001242957.3(MAK):c.1723T>C (p.Phe575Leu)

Gene: MAK (male germ cell associated kinase; minus strand). Cytogenetic location: 6p24.2.
Variant type: single nucleotide variant.
Coding change: c.1723T>C on transcript NM_001242957.3 (MANE Select); coding-DNA position 1723, T replaced by C.
Protein change: p.Phe575Leu; replaces phenylalanine 575 with leucine.
Molecular consequence: missense variant. On other transcripts: non-coding transcript variant (2), intron variant (2).
Genome position (GRCh38, 1-based): chr6:10,770,180, A>G on the plus strand (T>C on the coding strand, the complement: MAK is on the minus strand). VCF-style: chr6-10770180-A-G. GRCh37 (hg19) VCF-style: chr6-10770413-A-G.
Other names: c.1648T>C (NM_005906.4); c.1648T>C, p.Phe550Leu (NM_005906.6); c.1495+5148T>C (NM_001377262.1); c.1597+5148T>C (NM_001242385.2); short protein forms F575L, F550L.
Identifiers: ClinVar variation 729055 (VCV000729055.14), dbSNP rs56217305, ClinGen allele CA3633363.